The following is an entry in ClinVar:

NM_022132.5(MCCC2):c.*1351G>A

Gene: MCCC2 (methylcrotonyl-CoA carboxylase subunit 2; plus strand). Cytogenetic location: 5q13.2.
Variant type: single nucleotide variant.
Coding change: c.*1351G>A on transcript NM_022132.5 (MANE Select); 1351 bases downstream of the stop codon, G replaced by A.
Molecular consequence: 3 prime UTR variant.
Genome position (GRCh38, 1-based): chr5:71,658,211, G>A. VCF-style: chr5-71658211-G-A. GRCh37 (hg19) VCF-style: chr5-70954038-G-A.
Other names: c.*1351G>A (NM_001363147.1).
Identifiers: ClinVar variation 905691 (VCV000905691.4), dbSNP rs144494459, ClinGen allele CA120009696.
Genomic context (GRCh38, chr5:71,658,211, plus strand): 5'-CACCAAGATCTTAATCTTCACATCTTTAATCTTATCTCTTTGACTCCTCTTTACACCGGA[G>A]AACGGCTCCAGCTGTTCTAGCTCTCTTTCAGTTCTTTGAACCTTCCCACCTTAGGGTCTA-3'

ClinVar aggregate classification (germline): Likely benign (1 of 4 stars; one submission).

Conditions:
3-methylcrotonyl-CoA carboxylase 2 deficiency. Also called: METHYLCROTONYLGLYCINURIA, TYPE II; 3 alpha methylcrotonyl-CoA carboxylase 2 deficiency; 3 alpha methylcrotonylglycinuria 2; MCC 2 deficiency; Methylcrotonylglycinuria type 2. Identifiers: Orphanet 6, MedGen C1859499, MONDO:0008862, OMIM 210210.

Allele frequency attached by ClinVar (database versions not stated): 1000 Genomes Project 0.00639; 1000 Genomes Project 30x 0.00703; TOPMed 0.01091; gnomAD 0.01215 and 0.01269.

Submission:

Illumina Laboratory Services, Illumina
Classification: Likely benign for 3-methylcrotonyl-CoA carboxylase 2 deficiency. Last evaluated: 2018-01-13. Review status: criteria provided, single submitter. Criteria: ICSL Variant Classification Criteria 13 December 2019. Collection method: clinical testing. Allele origin: germline.
Comment: This variant was observed in the ICSL laboratory as part of a predisposition screen in an ostensibly healthy population. It had not been previously curated by ICSL or reported in the Human Gene Mutation Database (HGMD: prior to June 1st, 2018), and was therefore a candidate for classification through an automated scoring system. Utilizing variant allele frequency, disease prevalence and penetrance estimates, and inheritance mode, an automated score was calculated to assess if this variant is too frequent to cause the disease. Based on the score and internal cut-off values, a variant classified as likely benign is not then subjected to further curation. The score for this variant resulted in a classification of likely benign for this disease.